The following is an entry in ClinVar:

NM_017755.6(NSUN2):c.1226+4A>T

Gene: NSUN2 (NOP2/Sun RNA methyltransferase 2; minus strand). Cytogenetic location: 5p15.31.
Variant type: single nucleotide variant.
Coding change: c.1226+4A>T on transcript NM_017755.6 (MANE Select); 4 bases into the intron after coding-DNA position 1226, A replaced by T.
Molecular consequence: intron variant.
Genome position (GRCh38, 1-based): chr5:6,610,951, T>A on the plus strand (A>T on the coding strand, the complement: NSUN2 is on the minus strand). VCF-style: chr5-6610951-T-A. GRCh37 (hg19) VCF-style: chr5-6611064-T-A.
Other names: c.1121+4A>T (NM_001193455.2).
Identifiers: ClinVar variation 436075 (VCV000436075.15), dbSNP rs202085420, ClinGen allele CA3192519.

ClinVar aggregate classification (germline): Uncertain significance. Review status: criteria provided, multiple submitters, no conflicts (2 of 4 stars). 6 submissions from 6 submitters: Uncertain significance (6). Last evaluated 2024-11-13.

Conditions:
Intellectual developmental disorder, autosomal recessive 5. Also called: Intellectual disability, autosomal recessive 5. Identifiers: Orphanet 88616, MedGen C1970199, MONDO:0012613, OMIM 611091.
Intellectual disability. Also called: intellectual disabilities; Intellectual functioning disability; Intellectual developmental disorder. Identifiers: MedGen C3714756, MeSH D008607, MONDO:0001071, HP:0001249.

Allele frequency attached by ClinVar (database versions not stated): ExAC 0.00020; gnomAD exomes 0.00017 and 0.00020; gnomAD 0.00041 and 0.00043; TOPMed 0.00054; 1000 Genomes Project 30x 0.00125; ESP Exome Variant Server 0.00031; 1000 Genomes Project 0.00120.
gnomAD v4.1: 339 of 1,613,962 alleles (0.021%); highest among the groups gnomAD compares: Middle Eastern, 0.16%; no homozygotes.

Submissions (9):

GeneDx
Classification: Uncertain significance. Last evaluated: 2024-11-13. Review status: criteria provided, single submitter. Criteria: GeneDx Variant Classification Process June 2021. Collection method: clinical testing. Allele origin: germline. Affected: yes.
Comment: In silico analysis supports a deleterious effect on splicing; Has not been previously published as pathogenic or benign to our knowledge

Labcorp Genetics (formerly Invitae), Labcorp
Classification: Uncertain significance. Last evaluated: 2024-10-15. Review status: criteria provided, single submitter. Criteria: Invitae Variant Classification Sherloc (09022015). Collection method: clinical testing. Allele origin: germline.
Comment: This sequence change falls in intron 11 of the NSUN2 gene. It does not directly change the encoded amino acid sequence of the NSUN2 protein. It affects a nucleotide within the consensus splice site. This variant is present in population databases (rs202085420, gnomAD 0.1%). This variant has not been reported in the literature in individuals affected with NSUN2-related conditions. ClinVar contains an entry for this variant (Variation ID: 436075). Variants that disrupt the consensus splice site are a relatively common cause of aberrant splicing (PMID: 17576681, 9536098). Algorithms developed to predict the effect of sequence changes on RNA splicing suggest that this variant may disrupt the consensus splice site. In summary, the available evidence is currently insufficient to determine the role of this variant in disease. Therefore, it has been classified as a Variant of Uncertain Significance.

Cambridge Genomics Laboratory, East Genomic Laboratory Hub, NHS Genomic Medicine Service
Classification: Uncertain significance for Intellectual disability. Last evaluated: 2020-03-27. Review status: criteria provided, single submitter. Criteria: ACGS Best Practice Guidelines for Variant Classification in Rare Disease 2020. Collection method: clinical testing. Allele origin: germline. Affected: yes. Observed: 1 variant allele.

Illumina Laboratory Services, Illumina
Classification: Uncertain significance for Intellectual developmental disorder, autosomal recessive 5. Last evaluated: 2018-01-12. Review status: criteria provided, single submitter. Criteria: ICSL Variant Classification Criteria 13 December 2019. Collection method: clinical testing. Allele origin: germline.

Genetic Services Laboratory, University of Chicago
Classification: Uncertain significance. Last evaluated: 2015-11-05. Review status: criteria provided, single submitter. Criteria: ACMG Guidelines, 2015. Collection method: clinical testing. Allele origin: germline. Affected: no.

Breakthrough Genomics
Classification: Uncertain significance. Review status: criteria provided, single submitter. Criteria: ACMG Guidelines, 2015. Collection method: not provided. Allele origin: germline. Inheritance: Autosomal recessive inheritance. Affected: yes.

Dr. Peter K. Rogan Lab, Western University
No classification provided (evidence only). Condition: Uterine corpus endometrial carcinoma. Review status: no classification provided. Collection method: in vitro. Allele origin: not applicable. Functional consequence: retained intron. Not counted in ClinVar's aggregate classification.

Dr. Peter K. Rogan Lab, Western University
No classification provided (evidence only). Condition: Ovarian serous cystadenocarcinoma. Review status: no classification provided. Collection method: in vitro. Allele origin: not applicable. Functional consequence: retained intron. Not counted in ClinVar's aggregate classification.

Dr. Peter K. Rogan Lab, Western University
No classification provided (evidence only). Condition: Chronic lymphocytic leukemia/small lymphocytic lymphoma. Review status: no classification provided. Collection method: in vitro. Allele origin: not applicable. Functional consequence: retained intron. Not counted in ClinVar's aggregate classification.

Literature cited by the submitters: PubMed 17576681 (cited by Labcorp Genetics (formerly Invitae), Labcorp); PubMed 9536098 (cited by Labcorp Genetics (formerly Invitae), Labcorp).